The following is an entry in ClinVar:

NM_000256.3(MYBPC3):c.3471C>T (p.Pro1157=)

Gene: MYBPC3 (myosin binding protein C3; minus strand). Cytogenetic location: 11p11.2.
Variant type: single nucleotide variant.
Coding change: c.3471C>T on transcript NM_000256.3 (MANE Select); coding-DNA position 3471, C replaced by T.
Protein change: p.Pro1157=; no amino-acid change (proline 1157 retained).
Molecular consequence: synonymous variant.
Genome position (GRCh38, 1-based): chr11:47,332,833, G>A on the plus strand (C>T on the coding strand, the complement: MYBPC3 is on the minus strand). VCF-style: chr11-47332833-G-A. GRCh37 (hg19) VCF-style: chr11-47354384-G-A.
Identifiers: ClinVar variation 759993 (VCV000759993.19), dbSNP rs962554743, ClinGen allele CA221682200.

ClinVar aggregate classification (germline): Likely benign. Review status: criteria provided, multiple submitters, no conflicts (2 of 4 stars). 7 submissions from 7 submitters: Likely benign (5). 2 of the submissions do not count toward it. Last evaluated 2025-05-14.

Conditions:
Cardiomyopathy (CMYO). Also called: Cardiomyopathies. Identifiers: Orphanet 167848, MedGen C0878544, MONDO:0004994, HP:0001638. Inheritance: Various modes of inheritance.
Hypertrophic cardiomyopathy. Also called: HYPERTROPHIC MYOCARDIOPATHY. Identifiers: Orphanet 217569, MedGen C0007194, MeSH D002312, MONDO:0005045, HP:0001639.
Cardiovascular phenotype. Identifiers: MedGen CN230736.

Allele frequency attached by ClinVar (database versions not stated): gnomAD below 0.00001 and 0.00001; gnomAD exomes 0.00001; TOPMed 0.00001.
gnomAD v4.1: 11 of 1,606,960 alleles (0.00068%); highest among the groups gnomAD compares: East Asian, 0.009%; no homozygotes.

Submissions (7):

Labcorp Genetics (formerly Invitae), Labcorp
Classification: Likely benign for Hypertrophic cardiomyopathy. Last evaluated: 2025-05-14. Review status: criteria provided, single submitter. Criteria: Invitae Variant Classification Sherloc (09022015). Collection method: clinical testing. Allele origin: germline.

ARUP Laboratories, Molecular Genetics and Genomics, ARUP Laboratories
Classification: Likely benign. Last evaluated: 2025-02-12. Review status: criteria provided, single submitter. Criteria: ARUP Molecular Germline Variant Investigation Process 2024. Collection method: clinical testing. Allele origin: germline.

Ambry Genetics
Classification: Likely benign for Cardiovascular phenotype. Last evaluated: 2024-03-29. Review status: criteria provided, single submitter. Criteria: Ambry Variant Classification Scheme 2023. Collection method: clinical testing. Allele origin: germline.

All of Us Research Program, National Institutes of Health
Classification: Likely benign for Hypertrophic cardiomyopathy. Last evaluated: 2023-11-28. Review status: criteria provided, single submitter. Criteria: ACMG Guidelines, 2015. Collection method: clinical testing. Allele origin: germline. Inheritance: Autosomal dominant inheritance. Observed: 1 variant allele, 1 heterozygote.
Comment: This study involves interpretation of variants in research participants for the purpose of population health screening. Participant phenotype was not available at the time of variant classification. Additional details can be found in publication PMID: 35346344, PMCID: PMC8962531

Color Diagnostics, LLC DBA Color Health
Classification: Likely benign for Cardiomyopathy. Last evaluated: 2018-11-21. Review status: criteria provided, single submitter. Criteria: ACMG Guidelines, 2015. Collection method: clinical testing. Allele origin: germline.

Clinical Genetics DNA and cytogenetics Diagnostics Lab, Erasmus MC, Erasmus Medical Center
Classification: Likely benign. Review status: no assertion criteria provided. Collection method: clinical testing. Allele origin: germline. Affected: yes. Study: VKGL Data-share Consensus. Not counted in ClinVar's aggregate classification.

Diagnostic Laboratory, Department of Genetics, University Medical Center Groningen
Classification: Likely benign. Review status: no assertion criteria provided. Collection method: clinical testing. Allele origin: germline. Affected: yes. Study: VKGL Data-share Consensus. Not counted in ClinVar's aggregate classification.